The following is an entry in ClinVar:

NM_004360.5(CDH1):c.388G>C (p.Ala130Pro)

Gene: CDH1 (cadherin 1; plus strand). Cytogenetic location: 16q22.1.
Variant type: single nucleotide variant.
Coding change: c.388G>C on transcript NM_004360.5 (MANE Select); coding-DNA position 388, G replaced by C.
Protein change: p.Ala130Pro; replaces alanine 130 with proline.
Molecular consequence: missense variant. On other transcripts: 5 prime UTR variant (2).
Genome position (GRCh38, 1-based): chr16:68,808,424, G>C. VCF-style: chr16-68808424-G-C. GRCh37 (hg19) VCF-style: chr16-68842327-G-C.
Other names: c.388G>C, p.Ala130Pro (NM_001317184.2); c.-1228G>C (NM_001317185.2); c.-1432G>C (NM_001317186.2); short protein forms A130P.
Identifiers: ClinVar variation 1475113 (VCV001475113.8), dbSNP rs2152129578, ClinGen allele CA396457520.

ClinVar aggregate classification (germline): Uncertain significance (1 of 4 stars; one submission).

Conditions:
Hereditary diffuse gastric adenocarcinoma (HDGC). Also called: DIFFUSE GASTRIC AND LOBULAR BREAST CANCER SYNDROME. Identifiers: Orphanet 26106, MedGen C1708349, MONDO:0007648, OMIM 137215.

Submission:

Labcorp Genetics (formerly Invitae), Labcorp
Classification: Uncertain significance for Hereditary diffuse gastric adenocarcinoma. Last evaluated: 2022-02-18. Review status: criteria provided, single submitter. Criteria: Invitae Variant Classification Sherloc (09022015). Collection method: clinical testing. Allele origin: germline.
Comment: This sequence change replaces alanine, which is neutral and non-polar, with proline, which is neutral and non-polar, at codon 130 of the CDH1 protein (p.Ala130Pro). This variant is not present in population databases (gnomAD no frequency). This variant has not been reported in the literature in individuals affected with CDH1-related conditions. Algorithms developed to predict the effect of missense changes on protein structure and function (SIFT, PolyPhen-2, Align-GVGD) all suggest that this variant is likely to be tolerated. Algorithms developed to predict the effect of sequence changes on RNA splicing suggest that this variant may disrupt the consensus splice site. In summary, the available evidence is currently insufficient to determine the role of this variant in disease. Therefore, it has been classified as a Variant of Uncertain Significance.